The following is an entry in ClinVar:

ClinVar aggregate classification (germline): Uncertain significance (1 of 4 stars; one submission).

Allele frequency attached by ClinVar (database versions not stated): gnomAD 0.00001; gnomAD exomes 0.00002; TOPMed 0.00002.
gnomAD v4.1: 10 of 1,614,060 alleles (0.00062%); highest among the groups gnomAD compares: Admixed American, 0.017%; no homozygotes.

Submission:

Labcorp Genetics (formerly Invitae), Labcorp
Classification: Uncertain significance. Last evaluated: 2025-11-02. Review status: criteria provided, single submitter. Criteria: Invitae Variant Classification Sherloc (09022015). Collection method: clinical testing. Allele origin: germline.
Comment: This sequence change replaces alanine, which is neutral and non-polar, with glycine, which is neutral and non-polar, at codon 486 of the DEAF1 protein (p.Ala486Gly). This variant is present in population databases (rs201251172, gnomAD 0.02%). This variant has not been reported in the literature in individuals affected with DEAF1-related conditions. ClinVar contains an entry for this variant (Variation ID: 1495126). Invitae Evidence Modeling of protein sequence and biophysical properties (such as structural, functional, and spatial information, amino acid conservation, physicochemical variation, residue mobility, and thermodynamic stability) indicates that this missense variant is not expected to disrupt DEAF1 protein function with a negative predictive value of 80%. In summary, the available evidence is currently insufficient to determine the role of this variant in disease. Therefore, it has been classified as a Variant of Uncertain Significance.

NM_021008.4(DEAF1):c.1457C>G (p.Ala486Gly)

Genes: DEAF1 (DEAF1 transcription factor; minus strand), LOC126861109 (BRD4-independent group 4 enhancer GRCh37_chr11:673917-675116; plus strand). Cytogenetic location: 11p15.5.
Variant type: single nucleotide variant.
Coding change: c.1457C>G on transcript NM_021008.4 (MANE Select); coding-DNA position 1457, C replaced by G.
Protein change: p.Ala486Gly; replaces alanine 486 with glycine.
Molecular consequence: missense variant.
Genome position (GRCh38, 1-based): chr11:674,582, G>C on the plus strand (C>G on the coding strand, the complement: DEAF1 is on the minus strand). VCF-style: chr11-674582-G-C. GRCh37 (hg19) VCF-style: chr11-674582-G-C.
Other names: c.1190C>G, p.Ala397Gly (NM_001293634.2); c.731C>G, p.Ala244Gly (NM_001367390.1); short protein forms A397G, A486G, A244G.
Identifiers: ClinVar variation 1495126 (VCV001495126.6), dbSNP rs201251172, ClinGen allele CA5786210.